The following is an entry in ClinVar:

NM_002582.4(PARN):c.826G>A (p.Ala276Thr)

Gene: PARN (poly(A)-specific ribonuclease; minus strand). Cytogenetic location: 16p13.12.
Variant type: single nucleotide variant.
Coding change: c.826G>A on transcript NM_002582.4 (MANE Select); coding-DNA position 826, G replaced by A.
Protein change: p.Ala276Thr; replaces alanine 276 with threonine.
Molecular consequence: missense variant.
Genome position (GRCh38, 1-based): chr16:14,599,918, C>T on the plus strand (G>A on the coding strand, the complement: PARN is on the minus strand). VCF-style: chr16-14599918-C-T. GRCh37 (hg19) VCF-style: chr16-14693775-C-T.
Other names: c.643G>A, p.Ala215Thr (NM_001134477.3); c.688G>A, p.Ala230Thr (NM_001242992.2); short protein forms A215T, A230T, A276T.
Identifiers: ClinVar variation 3762006 (VCV003762006.2).

ClinVar aggregate classification (germline): Uncertain significance (1 of 4 stars; one submission).

Conditions:
Dyskeratosis congenita, autosomal recessive 6 (DKCB6). Identifiers: MedGen C4225356, MONDO:0014600, OMIM 616353.
Pulmonary fibrosis and/or bone marrow failure, Telomere-related, 4. Also called: PULMONARY FIBROSIS AND/OR BONE MARROW FAILURE SYNDROME, TELOMERE-RELATED, 4. Identifiers: Orphanet 2032, MedGen C4225347, MONDO:0014612, OMIM 616371.

gnomAD v4.1: 5 of 1,602,246 alleles (0.00031%); highest among the groups gnomAD compares: South Asian, 0.0022%; no homozygotes.

Submission:

Labcorp Genetics (formerly Invitae), Labcorp
Classification: Uncertain significance for Dyskeratosis congenita, autosomal recessive 6; Pulmonary fibrosis and/or bone marrow failure, Telomere-related, 4. Last evaluated: 2024-09-18. Review status: criteria provided, single submitter. Criteria: Invitae Variant Classification Sherloc (09022015). Collection method: clinical testing. Allele origin: germline.
Comment: This sequence change replaces alanine, which is neutral and non-polar, with threonine, which is neutral and polar, at codon 276 of the PARN protein (p.Ala276Thr). This variant is present in population databases (rs185509128, gnomAD 0.007%). This variant has not been reported in the literature in individuals affected with PARN-related conditions. Invitae Evidence Modeling of protein sequence and biophysical properties (such as structural, functional, and spatial information, amino acid conservation, physicochemical variation, residue mobility, and thermodynamic stability) indicates that this missense variant is not expected to disrupt PARN protein function with a negative predictive value of 80%. In summary, the available evidence is currently insufficient to determine the role of this variant in disease. Therefore, it has been classified as a Variant of Uncertain Significance.